The following is an entry in ClinVar:

NC_000007.13:g.(?_142458396)_(142460871_?)del

Genes: PRSS1 (serine protease 1; plus strand), TRB (T cell receptor beta locus; plus strand). Cytogenetic location: 7q34.
Variant type: Deletion.
Identifiers: ClinVar variation 2424534 (VCV002424534.3).

ClinVar aggregate classification (germline): Uncertain significance (1 of 4 stars; one submission).

Conditions:
Hereditary pancreatitis (PCTT). Also called: Hereditary chronic pancreatitis; PRSS1-Related Hereditary Pancreatitis. Identifiers: Orphanet 676, MedGen C0238339, MONDO:0008185, OMIM 167800.

Submission:

Labcorp Genetics (formerly Invitae), Labcorp
Classification: Uncertain significance for Hereditary pancreatitis. Last evaluated: 2022-07-19. Review status: criteria provided, single submitter. Criteria: Invitae Variant Classification Sherloc (09022015). Collection method: clinical testing. Allele origin: germline.
Comment: This variant is a gross deletion of the genomic region encompassing exon(s) 2-5 of the PRSS1 gene, which includes the termination codon. This deletion extends beyond the assayed region for this gene and therefore may encompass additional genes. While this deletion is not anticipated to lead to nonsense mediated decay, it is expected to alter mRNA translation or result in a truncated protein product. This variant has not been reported in the literature in individuals affected with PRSS1-related conditions. Experimental studies and prediction algorithms are not available or were not evaluated, and the functional significance of this variant is currently unknown. In summary, the available evidence is currently insufficient to determine the role of this variant in disease. Therefore, it has been classified as a Variant of Uncertain Significance.